The following is an entry in ClinVar:

NM_004371.4(COPA):c.3344T>G (p.Leu1115Arg)

Gene: COPA (coat protein complex I subunit alpha; minus strand). Cytogenetic location: 1q23.2.
Variant type: single nucleotide variant.
Coding change: c.3344T>G on transcript NM_004371.4 (MANE Select); coding-DNA position 3344, T replaced by G.
Protein change: p.Leu1115Arg; replaces leucine 1115 with arginine.
Molecular consequence: missense variant.
Genome position (GRCh38, 1-based): chr1:160,291,411, A>C on the plus strand (T>G on the coding strand, the complement: COPA is on the minus strand). VCF-style: chr1-160291411-A-C. GRCh37 (hg19) VCF-style: chr1-160261201-A-C.
Other names: c.3371T>G, p.Leu1124Arg (NM_001098398.2); short protein forms L1115R, L1124R.
Identifiers: ClinVar variation 2006541 (VCV002006541.4), dbSNP rs2525346785, ClinGen allele CA343271069.
Genomic context (GRCh38, chr1:160,291,411, plus strand): 5'-GGCTTGGGCCCGAGTTCTAGTAGGCGCCGAGCAAAGGTGGCAGCTGTCTTGAAGTTCTTG[A>C]GCTTGAAGAACAGATTGAGGGCTGTACGCAGCACCAGGATCATGTGCACAGGCTGCAGGT-3'
Protein context (NP_004362.2, residues 1105-1125): LRTALNLFFK[Leu1115Arg]KNFKTAATFA

ClinVar aggregate classification (germline): Uncertain significance (1 of 4 stars; one submission).

Conditions:
Autoimmune interstitial lung disease-arthritis syndrome. Also called: Autoinflammation and autoimmunity, systemic, with immune dysregulation. Identifiers: Orphanet 444092, MedGen C5975714, MONDO:0014629.

Submission:

Labcorp Genetics (formerly Invitae), Labcorp
Classification: Uncertain significance for Autoimmune interstitial lung disease-arthritis syndrome. Last evaluated: 2022-06-14. Review status: criteria provided, single submitter. Criteria: Invitae Variant Classification Sherloc (09022015). Collection method: clinical testing. Allele origin: germline.
Comment: This variant is not present in population databases (gnomAD no frequency). This sequence change replaces leucine, which is neutral and non-polar, with arginine, which is basic and polar, at codon 1115 of the COPA protein (p.Leu1115Arg). This variant has not been reported in the literature in individuals affected with COPA-related conditions. In summary, the available evidence is currently insufficient to determine the role of this variant in disease. Therefore, it has been classified as a Variant of Uncertain Significance. Advanced modeling of protein sequence and biophysical properties (such as structural, functional, and spatial information, amino acid conservation, physicochemical variation, residue mobility, and thermodynamic stability) performed at Invitae indicates that this missense variant is not expected to disrupt COPA protein function.